The following is an entry in ClinVar:

ClinVar aggregate classification (germline): Uncertain significance (1 of 4 stars; one submission).

Allele frequency attached by ClinVar (database versions not stated): gnomAD 0.00004; TOPMed 0.00004; gnomAD exomes 0.00008 and 0.00012; 1000 Genomes Project 30x 0.00016; 1000 Genomes Project 0.00020; ExAC 0.00023.
gnomAD v4.1: 133 of 1,614,214 alleles (0.0082%); highest among the groups gnomAD compares: Non-Finnish European, 0.0094%; no homozygotes.

Submission:

Labcorp Genetics (formerly Invitae), Labcorp
Classification: Uncertain significance. Last evaluated: 2025-07-27. Review status: criteria provided, single submitter. Criteria: Invitae Variant Classification Sherloc (09022015). Collection method: clinical testing. Allele origin: germline.
Comment: This sequence change replaces valine, which is neutral and non-polar, with methionine, which is neutral and non-polar, at codon 49 of the RHO protein (p.Val49Met). This variant is present in population databases (rs534819675, gnomAD 0.02%). This missense change has been observed in individual(s) with retinitis pigmentosa (internal data). ClinVar contains an entry for this variant (Variation ID: 1366909). Invitae Evidence Modeling of protein sequence and biophysical properties (such as structural, functional, and spatial information, amino acid conservation, physicochemical variation, residue mobility, and thermodynamic stability) indicates that this missense variant is not expected to disrupt RHO protein function with a negative predictive value of 95%. In summary, the available evidence is currently insufficient to determine the role of this variant in disease. Therefore, it has been classified as a Variant of Uncertain Significance.

NM_000539.3(RHO):c.145G>A (p.Val49Met)

Gene: RHO (rhodopsin; plus strand). Cytogenetic location: 3q22.1.
Variant type: single nucleotide variant.
Coding change: c.145G>A on transcript NM_000539.3 (MANE Select); coding-DNA position 145, G replaced by A.
Protein change: p.Val49Met; replaces valine 49 with methionine.
Molecular consequence: missense variant.
Genome position (GRCh38, 1-based): chr3:129,528,878, G>A. VCF-style: chr3-129528878-G-A. GRCh37 (hg19) VCF-style: chr3-129247721-G-A.
Other names: short protein forms V49M.
Identifiers: ClinVar variation 1366909 (VCV001366909.8), dbSNP rs534819675, ClinGen allele CA2607069.
Genomic context (GRCh38, chr3:129,528,878, plus strand): 5'-TACTACCTGGCTGAGCCATGGCAGTTCTCCATGCTGGCCGCCTACATGTTTCTGCTGATC[G>A]TGCTGGGCTTCCCCATCAACTTCCTCACGCTCTACGTCACCGTCCAGCACAAGAAGCTGC-3'
Protein context (NP_000530.1, residues 39-59): MLAAYMFLLI[Val49Met]LGFPINFLTL